The following is an entry in ClinVar:

ClinVar aggregate classification (germline): Uncertain significance (1 of 4 stars; one submission).

Allele frequency attached by ClinVar (database versions not stated): gnomAD 0.00001; TOPMed 0.00001.
gnomAD v4.1: 52 of 1,614,054 alleles (0.0032%); highest among the groups gnomAD compares: Non-Finnish European, 0.0043%; no homozygotes.

Submission:

Labcorp Genetics (formerly Invitae), Labcorp
Classification: Uncertain significance. Last evaluated: 2022-06-24. Review status: criteria provided, single submitter. Criteria: Invitae Variant Classification Sherloc (09022015). Collection method: clinical testing. Allele origin: germline.
Comment: In summary, the available evidence is currently insufficient to determine the role of this variant in disease. Therefore, it has been classified as a Variant of Uncertain Significance. Algorithms developed to predict the effect of missense changes on protein structure and function are either unavailable or do not agree on the potential impact of this missense change (SIFT: "Tolerated"; PolyPhen-2: "Probably Damaging"; Align-GVGD: "Class C0"). This variant has not been reported in the literature in individuals affected with VPS13D-related conditions. This variant is present in population databases (no rsID available, gnomAD 0.003%). This sequence change replaces glutamic acid, which is acidic and polar, with alanine, which is neutral and non-polar, at codon 2297 of the VPS13D protein (p.Glu2297Ala).

NM_015378.4(VPS13D):c.6890A>C (p.Glu2297Ala)

Gene: VPS13D (vacuolar protein sorting 13 homolog D; plus strand). Cytogenetic location: 1p36.22.
Variant type: single nucleotide variant.
Coding change: c.6890A>C on transcript NM_015378.4 (MANE Select); coding-DNA position 6890, A replaced by C.
Protein change: p.Glu2297Ala; replaces glutamic acid 2297 with alanine.
Molecular consequence: missense variant.
Genome position (GRCh38, 1-based): chr1:12,311,880, A>C. VCF-style: chr1-12311880-A-C. GRCh37 (hg19) VCF-style: chr1-12371937-A-C.
Other names: c.6890A>C, p.Glu2297Ala (NM_018156.4); short protein forms E2297A.
Identifiers: ClinVar variation 2038523 (VCV002038523.4), dbSNP rs901365556, ClinGen allele CA18065393.
Genomic context (GRCh38, chr1:12,311,880, plus strand): 5'-TGAGTGGAGAAGTGTACACCTGTATGTGCTTCCTCATTGATATGGTGAATGTAAGTCTGG[A>C]GCTTAAAGATCCAAAAAGAAAAGAAGGTGCTGGGTCCCTAGCCAGGTATGCCTTTGATTA-3'
Protein context (NP_056193.2, residues 2287-2307): FLIDMVNVSL[Glu2297Ala]LKDPKRKEGA